The following is an entry in ClinVar:

NM_052966.4(NIBAN1):c.2201C>T (p.Thr734Met)

Gene: NIBAN1 (niban apoptosis regulator 1; minus strand). Cytogenetic location: 1q25.3.
Variant type: single nucleotide variant.
Coding change: c.2201C>T on transcript NM_052966.4 (MANE Select); coding-DNA position 2201, C replaced by T.
Protein change: p.Thr734Met; replaces threonine 734 with methionine.
Molecular consequence: missense variant.
Genome position (GRCh38, 1-based): chr1:184,795,563, G>A on the plus strand (C>T on the coding strand, the complement: NIBAN1 is on the minus strand). VCF-style: chr1-184795563-G-A. GRCh37 (hg19) VCF-style: chr1-184764697-G-A.
Other names: short protein forms T734M.
Identifiers: ClinVar variation 92021 (VCV000092021.2), dbSNP rs201876014, ClinGen allele CA232366.
Genomic context (GRCh38, chr1:184,795,563, plus strand): 5'-TGACTGGGCTCTTTTTCCTCTTCTTCTTCATTTTCTTGGGGAACGTGGCTCTCCCCATTC[G>A]TATCTTCTTCCATCACTGGAGCAGAGTCCACTGGTACTTCCACGGACGCTGTCAGCAACT-3'
Protein context (NP_443198.1, residues 724-744): VDSAPVMEED[Thr734Met]NGESHVPQEN

ClinVar aggregate classification (germline): Uncertain significance (0 of 4 stars; one submission).

Allele frequency attached by ClinVar (database versions not stated): gnomAD 0.00002 and 0.00001; ExAC 0.00015; TOPMed 0.00001; gnomAD exomes 0.00013 and 0.00007; 1000 Genomes Project 0.00020; 1000 Genomes Project 30x 0.00031.
gnomAD v4.1: 106 of 1,614,060 alleles (0.0066%); highest among the groups gnomAD compares: South Asian, 0.09%; 3 homozygotes.

Submission:

Richard Lifton Laboratory, Yale University School of Medicine
Classification: Uncertain significance. Review status: no assertion criteria provided. Collection method: not provided. Allele origin: somatic.
Comment: FAM129A
ClinVar note: Converted during submission from unknown to Uncertain significance.